The following is an entry in ClinVar:

ClinVar aggregate classification (germline): Conflicting classifications of pathogenicity. Review status: criteria provided, conflicting classifications (1 of 4 stars). 2 submissions from 2 submitters: Uncertain significance (1); Benign (1). Last evaluated 2023-12-20.

Conditions:
Congenital contractural arachnodactyly (CCA). Also called: BEALS SYNDROME; Beals-Hecht syndrome; Arthrogryposis, distal, type 9. Identifiers: Orphanet 115, MedGen C0220668, MONDO:0007363, OMIM 121050.

Allele frequency attached by ClinVar (database versions not stated): gnomAD exomes below 0.00001 and 0.00001; TOPMed 0.00001; gnomAD 0.00004.
gnomAD v4.1: 15 of 1,613,726 alleles (0.00093%); highest among the groups gnomAD compares: African/African-American, 0.004%; no homozygotes.

Submissions (2):

Labcorp Genetics (formerly Invitae), Labcorp
Classification: Benign for Congenital contractural arachnodactyly. Last evaluated: 2023-12-20. Review status: criteria provided, single submitter. Criteria: Invitae Variant Classification Sherloc (09022015). Collection method: clinical testing. Allele origin: germline.

GeneDx
Classification: Uncertain significance. Last evaluated: 2017-12-15. Review status: criteria provided, single submitter. Criteria: GeneDx Variant Classification (06012015). Collection method: clinical testing. Allele origin: germline. Affected: yes.
Comment: A variant of uncertain significance has been identified in the FBN2 gene. The c.6153 C>T variant results in asynonymous change of the residue S2051 in the FBN2 gene. This variant has not been published as pathogenic orbeen reported as benign to our knowledge. The c.6153 C>T (S2051S) variant was observed in atotal of 4/277,112 (0.001%) alleles from individuals of varying ethnic backgrounds in large population cohorts (Lek etal., 2016). Although this substitution occurs at a nucleotide position that is not conserved, where thymine (T) is thewild-type nucleotide in multiple species, in silico splicing algorithms predict this variant may create a cryptic splicedonor site upstream of the natural splice donor site, leading to abnormal splicing in the FBN2 gene. However, in theabsence of functional mRNA studies, the physiological consequence of this variant on splicing cannot be preciselydetermined.

NM_001999.4(FBN2):c.6153C>T (p.Ser2051=)

Gene: FBN2 (fibrillin 2; minus strand). Cytogenetic location: 5q23.3.
Variant type: single nucleotide variant.
Coding change: c.6153C>T on transcript NM_001999.4 (MANE Select); coding-DNA position 6153, C replaced by T.
Protein change: p.Ser2051=; no amino-acid change (serine 2051 retained).
Molecular consequence: synonymous variant.
Genome position (GRCh38, 1-based): chr5:128,300,830, G>A on the plus strand (C>T on the coding strand, the complement: FBN2 is on the minus strand). VCF-style: chr5-128300830-G-A. GRCh37 (hg19) VCF-style: chr5-127636522-G-A.
Identifiers: ClinVar variation 488739 (VCV000488739.12), dbSNP rs888075207, ClinGen allele CA127043151.